The following is an entry in ClinVar:

ClinVar aggregate classification (germline): Uncertain significance. Review status: criteria provided, multiple submitters, no conflicts (2 of 4 stars). 2 submissions from 2 submitters: Uncertain significance (2). Last evaluated 2025-11-05.

Conditions:
Multiple endocrine neoplasia, type 1 (MEN1). Also called: MEN I; WERMER SYNDROME; Endocrine adenomatosis multiple; MEN 1; MEA I. Identifiers: Orphanet 652, MedGen C0025267, MeSH D018761, MONDO:0007540, OMIM 131100.
Hereditary cancer-predisposing syndrome. Also called: Neoplastic Syndromes, Hereditary; Tumor predisposition; Hereditary neoplastic syndrome; Hereditary Cancer Syndrome. Identifiers: Orphanet 140162, MedGen C0027672, MeSH D009386, MONDO:0015356.

gnomAD v4.1: 1 of 1,584,916 alleles (0.000063%); highest among the groups gnomAD compares: Non-Finnish European, 0.000086%; no homozygotes.

Submissions (2):

Labcorp Genetics (formerly Invitae), Labcorp
Classification: Uncertain significance for Multiple endocrine neoplasia, type 1. Last evaluated: 2025-11-05. Review status: criteria provided, single submitter. Criteria: Invitae Variant Classification Sherloc (09022015). Collection method: clinical testing. Allele origin: germline.
Comment: This sequence change replaces proline, which is neutral and non-polar, with alanine, which is neutral and non-polar, at codon 59 of the MEN1 protein (p.Pro59Ala). This variant is not present in population databases (gnomAD no frequency). This variant has not been reported in the literature in individuals affected with MEN1-related conditions. ClinVar contains an entry for this variant (Variation ID: 527274). Invitae Evidence Modeling of protein sequence and biophysical properties (such as structural, functional, and spatial information, amino acid conservation, physicochemical variation, residue mobility, and thermodynamic stability) indicates that this missense variant is not expected to disrupt MEN1 protein function with a negative predictive value of 80%. In summary, the available evidence is currently insufficient to determine the role of this variant in disease. Therefore, it has been classified as a Variant of Uncertain Significance.

Ambry Genetics
Classification: Uncertain significance for Hereditary cancer-predisposing syndrome. Last evaluated: 2023-10-31. Review status: criteria provided, single submitter. Criteria: Ambry Variant Classification Scheme 2023. Collection method: clinical testing. Allele origin: germline.
Comment: The p.P59A variant (also known as c.175C>G), located in coding exon 1 of the MEN1 gene, results from a C to G substitution at nucleotide position 175. The proline at codon 59 is replaced by alanine, an amino acid with highly similar properties. This amino acid position is highly conserved in available vertebrate species. In addition, the in silico prediction for this alteration is inconclusive. Since supporting evidence is limited at this time, the clinical significance of this alteration remains unclear.

NM_001370259.2(MEN1):c.175C>G (p.Pro59Ala)

Gene: MEN1 (menin 1; minus strand). Cytogenetic location: 11q13.1.
Variant type: single nucleotide variant.
Coding change: c.175C>G on transcript NM_001370259.2 (MANE Select); coding-DNA position 175, C replaced by G.
Protein change: p.Pro59Ala; replaces proline 59 with alanine.
Molecular consequence: missense variant.
Genome position (GRCh38, 1-based): chr11:64,809,935, G>C on the plus strand (C>G on the coding strand, the complement: MEN1 is on the minus strand). VCF-style: chr11-64809935-G-C. GRCh37 (hg19) VCF-style: chr11-64577407-G-C.
Other names: c.175C>G, p.Pro59Ala (NM_000244.4, NM_001370251.2, NM_001370260.2 and 9 more transcripts); short protein forms P59A.
Identifiers: ClinVar variation 527274 (VCV000527274.11), dbSNP rs1352823623, ClinGen allele CA381187714.